The following is an entry in ClinVar:

NM_198578.4(LRRK2):c.5743A>G (p.Arg1915Gly)

Gene: LRRK2 (leucine rich repeat kinase 2; plus strand). Cytogenetic location: 12q12.
Variant type: single nucleotide variant.
Coding change: c.5743A>G on transcript NM_198578.4 (MANE Select); coding-DNA position 5743, A replaced by G.
Protein change: p.Arg1915Gly; replaces arginine 1915 with glycine.
Molecular consequence: missense variant.
Genome position (GRCh38, 1-based): chr12:40,328,446, A>G. VCF-style: chr12-40328446-A-G. GRCh37 (hg19) VCF-style: chr12-40722248-A-G.
Other names: short protein forms R1915G.
Identifiers: ClinVar variation 3540598 (VCV003540598.1).

ClinVar aggregate classification (germline): Uncertain significance (1 of 4 stars; one submission).

Conditions:
Inborn genetic diseases. Identifiers: MedGen C0950123, MeSH D030342.

gnomAD v4.1: 1 of 1,609,322 alleles (0.000062%); highest among the groups gnomAD compares: Non-Finnish European, 0.000085%; no homozygotes.

Submission:

Ambry Genetics
Classification: Uncertain significance for Inborn genetic diseases. Last evaluated: 2024-08-01. Review status: criteria provided, single submitter. Criteria: Ambry Variant Classification Scheme 2023. Collection method: clinical testing. Allele origin: germline.
Comment: The p.R1915G variant (also known as c.5743A>G), located in coding exon 39 of the LRRK2 gene, results from an A to G substitution at nucleotide position 5743. The arginine at codon 1915 is replaced by glycine, an amino acid with dissimilar properties. This amino acid position is conserved. In addition, the in silico prediction for this alteration is inconclusive. Based on the available evidence, the clinical significance of this variant remains unclear.